The following is an entry in ClinVar:

NM_017777.4(MKS1):c.1621G>T (p.Glu541Ter)

Gene: MKS1 (MKS transition zone complex subunit 1; minus strand). Cytogenetic location: 17q22.
Variant type: single nucleotide variant.
Coding change: c.1621G>T on transcript NM_017777.4 (MANE Select); coding-DNA position 1621, G replaced by T.
Protein change: p.Glu541Ter; replaces glutamic acid 541 with a stop codon.
Molecular consequence: nonsense. On other transcripts: missense variant (1), 3 prime UTR variant (1).
Genome position (GRCh38, 1-based): chr17:58,206,138, C>A on the plus strand (G>T on the coding strand, the complement: MKS1 is on the minus strand). VCF-style: chr17-58206138-C-A. GRCh37 (hg19) VCF-style: chr17-56283499-C-A.
Other names: c.1012G>T, p.Glu338Ter (NM_001321268.2); c.1538G>T, p.Gly513Val (NM_001321269.2); c.*33G>T (NM_001330397.2); short protein forms E541*, G513V, E338*.
Identifiers: ClinVar variation 551006 (VCV000551006.4), dbSNP rs1555596538, ClinGen allele CA400324272.

ClinVar aggregate classification (germline): Uncertain significance. Review status: criteria provided, single submitter (1 of 4 stars). 2 submissions from 2 submitters: Uncertain significance (1). 1 of the submissions does not count toward it. Last evaluated 2022-09-13.

Conditions:
Bardet-Biedl syndrome 13 (BBS13). Identifiers: Orphanet 110, MedGen C2673873, MONDO:0014441, OMIM 615990.
Meckel syndrome, type 1 (MKS1). Also called: MECKEL-GRUBER SYNDROME, TYPE 1. Identifiers: Orphanet 564, MedGen C3714506, MONDO:0009571, OMIM 249000.
Joubert syndrome 28 (JBTS28). Identifiers: MedGen C4310705, MONDO:0014928, OMIM 617121.
Meckel-Gruber syndrome. Also called: Dysencephalia splachnocystica; DYSENCEPHALIA SPLANCHNOCYSTICA; GRUBER SYNDROME. Identifiers: Orphanet 564, MedGen C0265215, MONDO:0018921.
Joubert syndrome. Also called: Familial aplasia of the vermis; CEREBELLOPARENCHYMAL DISORDER IV; JOUBERT-BOLTSHAUSER SYNDROME. Identifiers: Orphanet 475, MedGen C5979921, MONDO:0018772.

Submissions (2):

Labcorp Genetics (formerly Invitae), Labcorp
Classification: Uncertain significance for Joubert syndrome; Meckel-Gruber syndrome. Last evaluated: 2022-09-13. Review status: criteria provided, single submitter. Criteria: Invitae Variant Classification Sherloc (09022015). Collection method: clinical testing. Allele origin: germline.
Comment: This sequence change creates a premature translational stop signal (p.Glu541*) in the MKS1 gene. While this is not anticipated to result in nonsense mediated decay, it is expected to disrupt the last 19 amino acid(s) of the MKS1 protein. This variant is not present in population databases (gnomAD no frequency). This variant has not been reported in the literature in individuals affected with MKS1-related conditions. ClinVar contains an entry for this variant (Variation ID: 551006). Experimental studies and prediction algorithms are not available or were not evaluated, and the functional significance of this variant is currently unknown. Algorithms developed to predict the effect of sequence changes on RNA splicing suggest that this variant may create or strengthen a splice site. In summary, the available evidence is currently insufficient to determine the role of this variant in disease. Therefore, it has been classified as a Variant of Uncertain Significance.

Counsyl
Classification: Uncertain significance for Meckel syndrome, type 1; Bardet-Biedl syndrome 13; Joubert syndrome 28. Last evaluated: 2017-03-07. Review status: no assertion criteria provided. Collection method: clinical testing. Allele origin: unknown. Not counted in ClinVar's aggregate classification.